The following is an entry in ClinVar:

NM_001033561.2(PHF12):c.970C>A (p.Leu324Met)

Gene: PHF12 (PHD finger protein 12; minus strand). Cytogenetic location: 17q11.2.
Variant type: single nucleotide variant.
Coding change: c.970C>A on transcript NM_001033561.2 (MANE Select); coding-DNA position 970, C replaced by A.
Protein change: p.Leu324Met; replaces leucine 324 with methionine.
Molecular consequence: missense variant.
Genome position (GRCh38, 1-based): chr17:28,917,449, G>T on the plus strand (C>A on the coding strand, the complement: PHF12 is on the minus strand). VCF-style: chr17-28917449-G-T. GRCh37 (hg19) VCF-style: chr17-27244467-G-T.
Other names: c.970C>A, p.Leu324Met (NM_001290131.2, NM_020889.3); short protein forms L324M.
Identifiers: ClinVar variation 3212077 (VCV003212077.3), dbSNP rs201077784, ClinGen allele CA8470217.
Genomic context (GRCh38, chr17:28,917,449, plus strand): 5'-TGTCCTGGAAACGATCAAACACCTGGCACCGATTGCTCAGTGTCATATTCTTCTGGTTCA[G>T]CTAGGGACAAAGCAGACACAACCTTGTGGTGAGCCTCAAAAGGCACCTCCTATCCCAGTT-3'
Protein context (NP_001028733.1, residues 314-334): MCPNHIEHVV[Leu324Met]NQKNMTLSNR

ClinVar aggregate classification (germline): Uncertain significance. Review status: criteria provided, multiple submitters, no conflicts (2 of 4 stars). 2 submissions from 2 submitters: Uncertain significance (2). Last evaluated 2026-01-05.

Allele frequency attached by ClinVar (database versions not stated): gnomAD 0.00009; gnomAD exomes 0.00001; TOPMed 0.00008; ExAC 0.00005; ESP Exome Variant Server 0.00008.
gnomAD v4.1: 33 of 1,603,078 alleles (0.0021%); highest among the groups gnomAD compares: African/African-American, 0.035%; no homozygotes.

Submissions (2):

Dasa
Classification: Uncertain significance. Last evaluated: 2026-01-05. Review status: criteria provided, single submitter. Criteria: DASA Assertion Criteria. Collection method: clinical testing. Allele origin: germline.
Comment: NM_001033561.2(PHF12):c.970C>A (p.Leu324Met) is a missense variant that results in the substitution of leucine with methionine. This variant is rare in population databases. Computational prediction algorithms are consistent with a deleterious effect. The currently available literature and clinical evidence are not sufficient to establish a definitive association between this variant and the reported condition. Therefore, this variant is classified as a variant of uncertain significance.

Ambry Genetics
Classification: Uncertain significance. Last evaluated: 2023-12-13. Review status: criteria provided, single submitter. Criteria: Ambry Variant Classification Scheme 2023. Collection method: clinical testing. Allele origin: germline.